The following is an entry in ClinVar:

NM_138713.4(NFAT5):c.2242A>G (p.Asn748Asp)

Gene: NFAT5 (nuclear factor of activated T cells 5; plus strand). Cytogenetic location: 16q22.1.
Variant type: single nucleotide variant.
Coding change: c.2242A>G on transcript NM_138713.4 (MANE Select); coding-DNA position 2242, A replaced by G.
Protein change: p.Asn748Asp; replaces asparagine 748 with aspartic acid.
Molecular consequence: missense variant.
Genome position (GRCh38, 1-based): chr16:69,692,067, A>G. VCF-style: chr16-69692067-A-G. GRCh37 (hg19) VCF-style: chr16-69725970-A-G.
Other names: c.2242A>G (NM_138713.3); c.2239A>G, p.Asn747Asp (NM_001113178.3); c.1567A>G, p.Asn523Asp (NM_001367709.1); c.2188A>G, p.Asn730Asp (NM_006599.4); c.1960A>G, p.Asn654Asp (NM_138714.4, NM_173214.3, NM_173215.3); short protein forms N523D, N747D, N654D, N730D, N748D.
Identifiers: ClinVar variation 2149348 (VCV002149348.5), dbSNP rs762700463, ClinGen allele CA8135739.

ClinVar aggregate classification (germline): Uncertain significance. Review status: criteria provided, multiple submitters, no conflicts (2 of 4 stars). 2 submissions from 2 submitters: Uncertain significance (2). Last evaluated 2025-10-24.

Conditions:
Immunodeficiency. Identifiers: MedGen C0021051, MONDO:0021094, HP:0002721.

Allele frequency attached by ClinVar (database versions not stated): ExAC 0.00001; gnomAD exomes 0.00001.
gnomAD v4.1: 10 of 1,614,182 alleles (0.00062%); highest among the groups gnomAD compares: Admixed American, 0.015%; 1 homozygote.

Submissions (2):

Ambry Genetics
Classification: Uncertain significance. Last evaluated: 2025-10-24. Review status: criteria provided, single submitter. Criteria: Ambry Variant Classification Scheme 2023. Collection method: clinical testing. Allele origin: germline.

Labcorp Genetics (formerly Invitae), Labcorp
Classification: Uncertain significance for Immunodeficiency. Last evaluated: 2022-09-22. Review status: criteria provided, single submitter. Criteria: Invitae Variant Classification Sherloc (09022015). Collection method: clinical testing. Allele origin: germline.
Comment: In summary, the available evidence is currently insufficient to determine the role of this variant in disease. Therefore, it has been classified as a Variant of Uncertain Significance. Algorithms developed to predict the effect of missense changes on protein structure and function (SIFT, PolyPhen-2, Align-GVGD) all suggest that this variant is likely to be tolerated. This variant has not been reported in the literature in individuals affected with NFAT5-related conditions. This variant is not present in population databases (gnomAD no frequency). This sequence change replaces asparagine, which is neutral and polar, with aspartic acid, which is acidic and polar, at codon 654 of the NFAT5 protein (p.Asn654Asp).